The following is an entry in ClinVar:

NM_004408.4(DNM1):c.1345T>C (p.Tyr449His)

Gene: DNM1 (dynamin 1; plus strand). Cytogenetic location: 9q34.11.
Variant type: single nucleotide variant.
Coding change: c.1345T>C on transcript NM_004408.4 (MANE Select); coding-DNA position 1345, T replaced by C.
Protein change: p.Tyr449His; replaces tyrosine 449 with histidine.
Molecular consequence: missense variant.
Genome position (GRCh38, 1-based): chr9:128,234,030, T>C. VCF-style: chr9-128234030-T-C. GRCh37 (hg19) VCF-style: chr9-130996309-T-C.
Other names: c.1345T>C, p.Tyr449His (NM_001005336.3, NM_001288737.2, NM_001288738.2 and 2 more transcripts); short protein forms Y449H.
Identifiers: ClinVar variation 1017143 (VCV001017143.12), dbSNP rs1835857400, ClinGen allele CA375022671.

ClinVar aggregate classification (germline): Uncertain significance (1 of 4 stars; one submission).

Conditions:
Developmental and epileptic encephalopathy, 31A. Also called: Epileptic encephalopathy, early infantile, 31; Developmental and epileptic encephalopathy, 31. Identifiers: Orphanet 2382, MedGen C4225357, MONDO:0014598, OMIM 616346.

Submission:

Labcorp Genetics (formerly Invitae), Labcorp
Classification: Uncertain significance for Developmental and epileptic encephalopathy, 31A. Last evaluated: 2024-10-24. Review status: criteria provided, single submitter. Criteria: Invitae Variant Classification Sherloc (09022015). Collection method: clinical testing. Allele origin: germline.
Comment: This sequence change replaces tyrosine, which is neutral and polar, with histidine, which is basic and polar, at codon 449 of the DNM1 protein (p.Tyr449His). This variant is not present in population databases (gnomAD no frequency). This variant has not been reported in the literature in individuals affected with DNM1-related conditions. ClinVar contains an entry for this variant (Variation ID: 1017143). Invitae Evidence Modeling of protein sequence and biophysical properties (such as structural, functional, and spatial information, amino acid conservation, physicochemical variation, residue mobility, and thermodynamic stability) indicates that this missense variant is expected to disrupt DNM1 protein function with a positive predictive value of 80%. In summary, the available evidence is currently insufficient to determine the role of this variant in disease. Therefore, it has been classified as a Variant of Uncertain Significance.